The following is an entry in ClinVar:

NM_153026.3(PRICKLE1):c.2245A>T (p.Asn749Tyr)

Gene: PRICKLE1 (prickle planar cell polarity protein 1; minus strand). Cytogenetic location: 12q12.
Variant type: single nucleotide variant.
Coding change: c.2245A>T on transcript NM_153026.3 (MANE Select); coding-DNA position 2245, A replaced by T.
Protein change: p.Asn749Tyr; replaces asparagine 749 with tyrosine.
Molecular consequence: missense variant.
Genome position (GRCh38, 1-based): chr12:42,460,060, T>A on the plus strand (A>T on the coding strand, the complement: PRICKLE1 is on the minus strand). VCF-style: chr12-42460060-T-A. GRCh37 (hg19) VCF-style: chr12-42853862-T-A.
Other names: c.2245A>T, p.Asn749Tyr (NM_001144881.2, NM_001144882.2, NM_001144883.2); short protein forms N749Y.
Identifiers: ClinVar variation 2631087 (VCV002631087.2), dbSNP rs1937748497, ClinGen allele CA384439889.

ClinVar aggregate classification (germline): Uncertain significance (0 of 4 stars; one submission).

Conditions:
PRICKLE1-related disorder. Also called: PRICKLE1-related condition; PRICKLE1-Related Disorders. Identifiers: MedGen CN381536.

Submission:

PreventionGenetics, part of Exact Sciences
Classification: Uncertain significance for PRICKLE1-related condition. Last evaluated: 2024-03-04. Review status: no assertion criteria provided. Collection method: clinical testing. Allele origin: germline.
Comment: The PRICKLE1 c.2245A>T variant is predicted to result in the amino acid substitution p.Asn749Tyr. To our knowledge, this variant has not been reported in the literature or in a large population database, indicating this variant is rare. At this time, the clinical significance of this variant is uncertain due to the absence of conclusive functional and genetic evidence.